The following is an entry in ClinVar:

ClinVar aggregate classification (germline): Uncertain significance (1 of 4 stars; one submission).

Conditions:
Hypertrophic cardiomyopathy. Also called: HYPERTROPHIC MYOCARDIOPATHY. Identifiers: Orphanet 217569, MedGen C0007194, MeSH D002312, MONDO:0005045, HP:0001639.

Submission:

Labcorp Genetics (formerly Invitae), Labcorp
Classification: Uncertain significance for Hypertrophic cardiomyopathy. Last evaluated: 2024-10-06. Review status: criteria provided, single submitter. Criteria: Invitae Variant Classification Sherloc (09022015). Collection method: clinical testing. Allele origin: germline.
Comment: This sequence change replaces glutamic acid, which is acidic and polar, with lysine, which is basic and polar, at codon 767 of the MYOM1 protein (p.Glu767Lys). This variant is not present in population databases (gnomAD no frequency). This variant has not been reported in the literature in individuals affected with MYOM1-related conditions. Invitae Evidence Modeling of protein sequence and biophysical properties (such as structural, functional, and spatial information, amino acid conservation, physicochemical variation, residue mobility, and thermodynamic stability) indicates that this missense variant is expected to disrupt MYOM1 protein function with a positive predictive value of 80%. In summary, the available evidence is currently insufficient to determine the role of this variant in disease. Therefore, it has been classified as a Variant of Uncertain Significance.

NM_003803.4(MYOM1):c.2299G>A (p.Glu767Lys)

Gene: MYOM1 (myomesin 1; minus strand). Cytogenetic location: 18p11.31.
Variant type: single nucleotide variant.
Coding change: c.2299G>A on transcript NM_003803.4 (MANE Select); coding-DNA position 2299, G replaced by A.
Protein change: p.Glu767Lys; replaces glutamic acid 767 with lysine.
Molecular consequence: missense variant.
Genome position (GRCh38, 1-based): chr18:3,134,735, C>T on the plus strand (G>A on the coding strand, the complement: MYOM1 is on the minus strand). VCF-style: chr18-3134735-C-T. GRCh37 (hg19) VCF-style: chr18-3134733-C-T.
Other names: c.2299G>A, p.Glu767Lys (NM_019856.2); short protein forms E767K.
Identifiers: ClinVar variation 3653979 (VCV003653979.2).